The following is an entry in ClinVar:

ClinVar aggregate classification (germline): Uncertain significance (1 of 4 stars; one submission).

Submission:

GeneDx
Classification: Uncertain significance. Last evaluated: 2024-05-01. Review status: criteria provided, single submitter. Criteria: GeneDx Variant Classification Process June 2021. Collection method: clinical testing. Allele origin: germline. Affected: yes.
Comment: Not observed at significant frequency in large population cohorts (gnomAD); In silico analysis supports that this missense variant has a deleterious effect on protein structure/function; Has not been previously published as pathogenic or benign to our knowledge

NM_006494.4(ERF):c.86T>C (p.Leu29Pro)

Gene: ERF (ETS2 repressor factor; minus strand). Cytogenetic location: 19q13.2.
Variant type: single nucleotide variant.
Coding change: c.86T>C on transcript NM_006494.4 (MANE Select); coding-DNA position 86, T replaced by C.
Protein change: p.Leu29Pro; replaces leucine 29 with proline.
Molecular consequence: missense variant. On other transcripts: 5 prime UTR variant (3).
Genome position (GRCh38, 1-based): chr19:42,250,502, A>G on the plus strand (T>C on the coding strand, the complement: ERF is on the minus strand). VCF-style: chr19-42250502-A-G. GRCh37 (hg19) VCF-style: chr19-42754654-A-G.
Other names: c.-140T>C (NM_001301035.2, NM_001308402.2, NM_001312656.2); short protein forms L29P.
Identifiers: ClinVar variation 3375985 (VCV003375985.1).